The following is an entry in ClinVar:

ClinVar aggregate classification (germline): Uncertain significance (1 of 4 stars; one submission).

Allele frequency attached by ClinVar (database versions not stated): gnomAD 0.00001.
gnomAD v4.1: 2 of 1,612,810 alleles (0.00012%); highest among the groups gnomAD compares: African/African-American, 0.0013%; no homozygotes.

Submission:

Labcorp Genetics (formerly Invitae), Labcorp
Classification: Uncertain significance. Last evaluated: 2020-10-24. Review status: criteria provided, single submitter. Criteria: Invitae Variant Classification Sherloc (09022015). Collection method: clinical testing. Allele origin: germline.
Comment: This sequence change replaces cysteine with arginine at codon 29 of the TTC37 protein (p.Cys29Arg). The cysteine residue is moderately conserved and there is a large physicochemical difference between cysteine and arginine. This variant is not present in population databases (ExAC no frequency). This variant has not been reported in the literature in individuals with TTC37-related conditions. Algorithms developed to predict the effect of missense changes on protein structure and function are either unavailable or do not agree on the potential impact of this missense change (SIFT: "Deleterious"; PolyPhen-2: "Probably Damaging"; Align-GVGD: "Class C0"). In summary, the available evidence is currently insufficient to determine the role of this variant in disease. Therefore, it has been classified as a Variant of Uncertain Significance.

NM_014639.4(SKIC3):c.85T>C (p.Cys29Arg)

Gene: SKIC3 (SKI3 subunit of superkiller complex; minus strand). Cytogenetic location: 5q15.
Variant type: single nucleotide variant.
Coding change: c.85T>C on transcript NM_014639.4 (MANE Select); coding-DNA position 85, T replaced by C.
Protein change: p.Cys29Arg; replaces cysteine 29 with arginine.
Molecular consequence: missense variant.
Genome position (GRCh38, 1-based): chr5:95,547,066, A>G on the plus strand (T>C on the coding strand, the complement: SKIC3 is on the minus strand). VCF-style: chr5-95547066-A-G. GRCh37 (hg19) VCF-style: chr5-94882770-A-G.
Other names: short protein forms C29R.
Identifiers: ClinVar variation 1026506 (VCV001026506.8), dbSNP rs1345405578, ClinGen allele CA360447959.